The following is an entry in ClinVar:

NC_000002.11:g.(?_231033840)_(231081642_?)del

Gene: SP110 (SP110 nuclear body protein; minus strand). Cytogenetic location: 2q37.1.
Variant type: Deletion.
Identifiers: ClinVar variation 2425135 (VCV002425135.3).

ClinVar aggregate classification (germline): Pathogenic (1 of 4 stars; one submission).

Conditions:
Hepatic veno-occlusive disease-immunodeficiency syndrome. Also called: Hepatic Veno-Occlusive Disease with Immunodeficiency. Identifiers: Orphanet 79124, MedGen C1856128, MONDO:0009338, OMIM 235550. Disease mechanism: loss of function.

Submission:

Labcorp Genetics (formerly Invitae), Labcorp
Classification: Pathogenic for Hepatic veno-occlusive disease-immunodeficiency syndrome. Last evaluated: 2022-09-30. Review status: criteria provided, single submitter. Criteria: Invitae Variant Classification Sherloc (09022015). Collection method: clinical testing. Allele origin: germline.
Comment: A gross deletion of the genomic region encompassing the full coding sequence of the SP110 gene has been identified. Loss-of-function variants in SP110 are known to be pathogenic (PMID: 16648851, 22621957). The boundaries of this event are unknown as they extend beyond the assayed region for this gene and therefore may encompass additional genes. This variant has not been reported in the literature in individuals affected with SP110-related conditions. For these reasons, this variant has been classified as Pathogenic.

Literature cited by the submitters: PubMed 16648851; PubMed 22621957.